The following is an entry in ClinVar:

NM_001457.4(FLNB):c.7622-126G>A

Genes: FLNB-AS1 (FLNB antisense RNA 1; minus strand), FLNB (filamin B; plus strand). Cytogenetic location: 3p14.3.
Variant type: single nucleotide variant.
Coding change: c.7622-126G>A on transcript NM_001457.4 (MANE Select); 126 bases into the intron before coding-DNA position 7622, G replaced by A.
Molecular consequence: intron variant.
Genome position (GRCh38, 1-based): chr3:58,170,449, G>A. VCF-style: chr3-58170449-G-A. GRCh37 (hg19) VCF-style: chr3-58156176-G-A.
Other names: c.7715-126G>A (NM_001164317.2); c.7589-126G>A (NM_001164318.2); c.7550-126G>A (NM_001164319.2).
Identifiers: ClinVar variation 683177 (VCV000683177.2), dbSNP rs4681660, ClinGen allele CA11473662.

ClinVar aggregate classification (germline): Benign. Review status: criteria provided, multiple submitters, no conflicts (2 of 4 stars). 2 submissions from 2 submitters: Benign (2). Last evaluated 2018-06-14.

Allele frequency attached by ClinVar (database versions not stated): gnomAD exomes 0.66422; gnomAD 0.71269; TOPMed 0.73697; 1000 Genomes Project 30x 0.82324; 1000 Genomes Project 0.82368.
gnomAD v4.1: 561,660 of 832,140 alleles (67%); highest among the groups gnomAD compares: East Asian, 100%; 194,790 homozygotes.

Submissions (2):

GeneDx
Classification: Benign. Last evaluated: 2018-06-14. Review status: criteria provided, single submitter. Criteria: GeneDx Variant Classification (06012015). Collection method: clinical testing. Allele origin: germline. Affected: yes.
Comment: This variant is considered likely benign or benign based on one or more of the following criteria: it is a conservative change, it occurs at a poorly conserved position in the protein, it is predicted to be benign by multiple in silico algorithms, and/or has population frequency not consistent with disease.

Breakthrough Genomics
Classification: Benign. Review status: criteria provided, single submitter. Criteria: ACMG Guidelines, 2015. Collection method: not provided. Allele origin: germline. Inheritance: Autosomal recessive inheritance. Affected: yes.